The following is an entry in ClinVar:

NM_170707.4(LMNA):c.1016C>A (p.Ala339Glu)

Gene: LMNA (lamin A/C; plus strand). Cytogenetic location: 1q22.
Variant type: single nucleotide variant.
Coding change: c.1016C>A on transcript NM_170707.4 (MANE Select); coding-DNA position 1016, C replaced by A.
Protein change: p.Ala339Glu; replaces alanine 339 with glutamic acid.
Molecular consequence: missense variant.
Genome position (GRCh38, 1-based): chr1:156,135,980, C>A. VCF-style: chr1-156135980-C-A. GRCh37 (hg19) VCF-style: chr1-156105771-C-A.
Other names: c.680C>A, p.Ala227Glu (NM_001257374.3); c.773C>A, p.Ala258Glu (NM_001282624.2); c.1016C>A, p.Ala339Glu (NM_001282625.2, NM_001282626.2, NM_005572.4 and 1 more transcripts); short protein forms A227E, A258E, A339E.
Identifiers: ClinVar variation 1304549 (VCV001304549.6), dbSNP rs756538414, ClinGen allele CA048798.

ClinVar aggregate classification (germline): Uncertain significance. Review status: criteria provided, multiple submitters, no conflicts (2 of 4 stars). 3 submissions from 3 submitters: Uncertain significance (3). Last evaluated 2025-06-22.

Conditions:
Charcot-Marie-Tooth disease type 2. Also called: Charcot-Marie-Tooth type 2. Identifiers: Orphanet 64746, MedGen C0270914, MONDO:0018993.
Primary dilated cardiomyopathy (DCM). Also called: Dilated Cardiomyopathy. Identifiers: Orphanet 217604, MedGen C0007193, MeSH D002311, MONDO:0005021, HP:0001644. Inheritance: Various modes of inheritance.

Allele frequency attached by ClinVar (database versions not stated): gnomAD exomes 0.00001; TOPMed below 0.00001; ExAC 0.00002.
gnomAD v4.1: 32 of 1,614,046 alleles (0.002%); highest among the groups gnomAD compares: Non-Finnish European, 0.0026%; no homozygotes.

Submissions (3):

Labcorp Genetics (formerly Invitae), Labcorp
Classification: Uncertain significance for Charcot-Marie-Tooth disease type 2. Last evaluated: 2025-06-22. Review status: criteria provided, single submitter. Criteria: Invitae Variant Classification Sherloc (09022015). Collection method: clinical testing. Allele origin: germline.
Comment: This sequence change replaces alanine, which is neutral and non-polar, with glutamic acid, which is acidic and polar, at codon 339 of the LMNA protein (p.Ala339Glu). This variant is present in population databases (rs756538414, gnomAD 0.002%). This missense change has been observed in individual(s) with clinical features of LMNA-related conditions (PMID: 29095976, 31957533). ClinVar contains an entry for this variant (Variation ID: 1304549). Invitae Evidence Modeling of protein sequence and biophysical properties (such as structural, functional, and spatial information, amino acid conservation, physicochemical variation, residue mobility, and thermodynamic stability) indicates that this missense variant is expected to disrupt LMNA protein function with a positive predictive value of 80%. In summary, the available evidence is currently insufficient to determine the role of this variant in disease. Therefore, it has been classified as a Variant of Uncertain Significance.

All of Us Research Program, National Institutes of Health
Classification: Uncertain significance for Primary dilated cardiomyopathy. Last evaluated: 2023-04-03. Review status: criteria provided, single submitter. Criteria: ACMG Guidelines, 2015. Collection method: clinical testing. Allele origin: germline. Inheritance: Autosomal dominant inheritance. Observed: 1 variant allele, 1 heterozygote.
Comment: This missense variant replaces alanine with glutamic acid at codon 339 of the LMNA protein. Computational prediction suggests that this variant may not impact protein structure and function (internally defined REVEL score threshold <= 0.5, PMID: 27666373). To our knowledge, functional studies have not been reported for this variant. This variant has been reported in an individual affected with dilated cardiomyopathy (PMID: 29095976, 31957533). This variant has been identified in 2/250802 chromosomes in the general population by the Genome Aggregation Database (gnomAD). The available evidence is insufficient to determine the role of this variant in disease conclusively. Therefore, this variant is classified as a Variant of Uncertain Significance.

This study involves interpretation of variants in research participants for the purpose of population health screening. Participant phenotype was not available at the time of variant classification. Additional details can be found in publication PMID: 35346344, PMCID: PMC8962531

GeneDx
Classification: Uncertain significance. Last evaluated: 2019-03-22. Review status: criteria provided, single submitter. Criteria: GeneDx Variant Classification Process June 2021. Collection method: clinical testing. Allele origin: germline. Affected: yes.
Comment: Observed in one individual with dilated cardiomyopathy, however, comprehensive genetic testing was not completed (Hasselberg et al., 2018); Not observed at a significant frequency in large population cohorts (Lek et al., 2016); In silico analysis, which includes protein predictors and evolutionary conservation, supports that this variant does not alter protein structure/function; This variant is associated with the following publications: (PMID: 29095976)

Literature cited by the submitters: PubMed 29095976 (cited by Labcorp Genetics (formerly Invitae), Labcorp and All of Us Research Program, National Institutes of Health); PubMed 31957533 (cited by Labcorp Genetics (formerly Invitae), Labcorp and All of Us Research Program, National Institutes of Health).